The following is an entry in ClinVar:

NM_001374736.1(DST):c.15216G>C (p.Trp5072Cys)

Gene: DST (dystonin; minus strand). Cytogenetic location: 6p12.1.
Variant type: single nucleotide variant.
Coding change: c.15216G>C on transcript NM_001374736.1 (MANE Select); coding-DNA position 15216, G replaced by C.
Protein change: p.Trp5072Cys; replaces tryptophan 5072 with cysteine.
Molecular consequence: missense variant.
Genome position (GRCh38, 1-based): chr6:56,553,576, C>G on the plus strand (G>C on the coding strand, the complement: DST is on the minus strand). VCF-style: chr6-56553576-C-G. GRCh37 (hg19) VCF-style: chr6-56418374-C-G.
Other names: c.8859G>C, p.Trp2953Cys (NM_001144769.5); c.8445G>C, p.Trp2815Cys (NM_001144770.2); c.15216G>C, p.Trp5072Cys (NM_001374722.1); c.14583G>C, p.Trp4861Cys (NM_001374729.1); c.8325G>C, p.Trp2775Cys (NM_001374730.1, NM_001386100.1, NM_183380.4); c.15243G>C, p.Trp5081Cys (NM_001374734.1); c.7347G>C, p.Trp2449Cys (NM_015548.5); short protein forms W2449C, W2815C, W2953C, W5072C, W4861C, W2775C, W5081C.
Identifiers: ClinVar variation 1427083 (VCV001427083.8), dbSNP rs893650971, ClinGen allele CA139206600.

ClinVar aggregate classification (germline): Uncertain significance. Review status: criteria provided, multiple submitters, no conflicts (2 of 4 stars). 2 submissions from 2 submitters: Uncertain significance (2). Last evaluated 2026-06-01.

Conditions:
Epidermolysis bullosa simplex 3, localized or generalized intermediate, with BP230 deficiency (EBS3). Also called: Epidermolysis bullosa simplex due to BP230 deficiency; Epidermolysis bullosa simplex, autosomal recessive 2. Identifiers: Orphanet 412181, MedGen C3809470, MONDO:0014180, OMIM 615425.
Hereditary sensory and autonomic neuropathy type 6. Also called: Neuropathy, hereditary sensory and autonomic, type VI; HSAN VI. Identifiers: Orphanet 314381, MedGen C3539003, MONDO:0013839, OMIM 614653.

Allele frequency attached by ClinVar (database versions not stated): gnomAD exomes below 0.00001; TOPMed below 0.00001.
gnomAD v4.1: 5 of 1,613,812 alleles (0.00031%); highest among the groups gnomAD compares: Non-Finnish European, 0.00042%; no homozygotes.

Submissions (2):

CeGaT Center for Human Genetics Tuebingen
Classification: Uncertain significance. Last evaluated: 2026-06-01. Review status: criteria provided, single submitter. Criteria: CeGaT Center For Human Genetics Tuebingen Variant Classification Criteria Version 2. Collection method: clinical testing. Allele origin: germline. Affected: yes. Observed: 1 variant allele.
Comment: DST: PM2

Labcorp Genetics (formerly Invitae), Labcorp
Classification: Uncertain significance for Epidermolysis bullosa simplex 3, localized or generalized intermediate, with BP230 deficiency; Hereditary sensory and autonomic neuropathy type 6. Last evaluated: 2025-10-23. Review status: criteria provided, single submitter. Criteria: Invitae Variant Classification Sherloc (09022015). Collection method: clinical testing. Allele origin: germline.
Comment: The DST gene has multiple clinically relevant transcripts. This variant occurs in alternate transcript NM_015548.4, and corresponds to NM_001723.5:c.*61941G>C in the primary transcript. This sequence change replaces tryptophan, which is neutral and slightly polar, with cysteine, which is neutral and slightly polar, at codon 2449 of the DST protein (p.Trp2449Cys). This variant is present in population databases (no rsID available, gnomAD 0.0009%). This variant has not been reported in the literature in individuals affected with DST-related conditions. Experimental studies and prediction algorithms are not available or were not evaluated, and the functional significance of this variant is currently unknown. In summary, the available evidence is currently insufficient to determine the role of this variant in disease. Therefore, it has been classified as a Variant of Uncertain Significance.